The following is an entry in ClinVar:

NM_000075.4(CDK4):c.743C>T (p.Ala248Val)

Genes: TSPAN31 (tetraspanin 31; plus strand), CDK4 (cyclin dependent kinase 4; minus strand). Cytogenetic location: 12q14.1.
Variant type: single nucleotide variant.
Coding change: c.743C>T on transcript NM_000075.4 (MANE Select); coding-DNA position 743, C replaced by T.
Protein change: p.Ala248Val; replaces alanine 248 with valine.
Molecular consequence: missense variant. On other transcripts: 3 prime UTR variant (3).
Genome position (GRCh38, 1-based): chr12:57,749,258, G>A on the plus strand (C>T on the coding strand, the complement: CDK4 is on the minus strand). VCF-style: chr12-57749258-G-A. GRCh37 (hg19) VCF-style: chr12-58143041-G-A.
Other names: c.*1968G>A (NM_001330168.2, NM_001330169.2, NM_005981.5); short protein forms A248V.
Identifiers: ClinVar variation 2586841 (VCV002586841.2), dbSNP rs1595108770, ClinGen allele CA385543380.

ClinVar aggregate classification (germline): Uncertain significance (1 of 4 stars; one submission).

Conditions:
Hereditary cancer-predisposing syndrome. Also called: Hereditary neoplastic syndrome; Tumor predisposition; Hereditary Cancer Syndrome; Neoplastic Syndromes, Hereditary. Identifiers: Orphanet 140162, MedGen C0027672, MeSH D009386, MONDO:0015356.

Submission:

Ambry Genetics
Classification: Uncertain significance for Hereditary cancer-predisposing syndrome. Last evaluated: 2023-09-07. Review status: criteria provided, single submitter. Criteria: Ambry Variant Classification Scheme 2023. Collection method: clinical testing. Allele origin: germline.
Comment: The p.A248V variant (also known as c.743C>T), located in coding exon 6 of the CDK4 gene, results from a C to T substitution at nucleotide position 743. The alanine at codon 248 is replaced by valine, an amino acid with similar properties. This amino acid position is conserved. In addition, this alteration is predicted to be tolerated by in silico analysis. Since supporting evidence is limited at this time, the clinical significance of this alteration remains unclear.